The following is an entry in ClinVar:

ClinVar aggregate classification (germline): Conflicting classifications of pathogenicity. Review status: criteria provided, conflicting classifications (1 of 4 stars). 13 submissions from 13 submitters: Uncertain significance (7); Likely benign (4). 2 of the submissions do not count toward it. Last evaluated 2026-05-01.

Conditions:
Inborn genetic diseases. Identifiers: MedGen C0950123, MeSH D030342.
SLC12A3-related disorder. Also called: SLC12A3-related condition.
Familial hypokalemia-hypomagnesemia (GTLMNS). Also called: gitelman syndrome; HYPOMAGNESEMIA-HYPOKALEMIA, PRIMARY RENOTUBULAR, WITH HYPOCALCIURIA; POTASSIUM AND MAGNESIUM DEPLETION. Identifiers: Orphanet 358, MedGen C0268450, MONDO:0009904, OMIM 263800.

Allele frequency attached by ClinVar (database versions not stated): 1000 Genomes Project 30x 0.00078; 1000 Genomes Project 0.00100; ExAC 0.00142; gnomAD 0.00157 and 0.00159; TOPMed 0.00169; gnomAD exomes 0.00173 and 0.00251; ESP Exome Variant Server 0.00215.
gnomAD v4.1: 3,888 of 1,614,262 alleles (0.24%); highest among the groups gnomAD compares: Non-Finnish European, 0.28%; 11 homozygotes.

Submissions (13):

CeGaT Center for Human Genetics Tuebingen
Classification: Likely benign. Last evaluated: 2026-05-01. Review status: criteria provided, single submitter. Criteria: CeGaT Center For Human Genetics Tuebingen Variant Classification Criteria Version 2. Collection method: clinical testing. Allele origin: germline. Affected: yes. Observed: 4 variant alleles.
Comment: SLC12A3: BP4, BS2

Labcorp Genetics (formerly Invitae), Labcorp
Classification: Likely benign. Last evaluated: 2026-01-25. Review status: criteria provided, single submitter. Criteria: Invitae Variant Classification Sherloc (09022015). Collection method: clinical testing. Allele origin: germline.

GeneDx
Classification: Uncertain significance. Last evaluated: 2026-01-09. Review status: criteria provided, single submitter. Criteria: GeneDx Variant Classification Process June 2021. Collection method: clinical testing. Allele origin: germline. Affected: yes.
Comment: Reported as a variant of uncertain clinical significance along with two additional SLC12A3 variants in an individual referred from a nephrology clinic; however, specific phenotype and segregation information was not provided (PMID: 33226606); Reported as a single heterozygous variant in an individual with salt-wasting congenital adrenal hyperplasia with subsequent hypokalemia; a homozygous pathogenic variant in CYP21A was also identified (PMID: 33763274); RNA studies demonstrate a damaging effect: reported variant results in a small portion of RNA that contains an in-frame loss of exons 7 and 8, which may result in the loss of transmembrane regions 5 - 6 involved in chloride transport (PMID: 39153654); In silico analysis supports that this missense variant has a deleterious effect on protein structure/function; This variant is associated with the following publications: (PMID: 34426522, 30476936, 33763274, 24215330, 33226606, 21415153, 39153654)

Women's Health and Genetics/Laboratory Corporation of America, LabCorp
Classification: Likely benign. Last evaluated: 2023-12-15. Review status: criteria provided, single submitter. Criteria: LabCorp Variant Classification Summary - May 2015. Collection method: clinical testing. Allele origin: germline.
Comment: Variant summary: SLC12A3 c.965C>T (p.Ala322Val) results in a non-conservative amino acid change located in the Amino acid permease/ SLC12A domain of the encoded protein sequence. Three of five in-silico tools predict a benign effect of the variant on protein function. The variant allele was found at a frequency of 0.0017 in 251454 control chromosomes in the gnomAD database, including 6 homozygotes. c.965C>T has been reported in the literature in individuals affected with Familial Hypokalemia-Hypomagnesemia (Vargas-Poussou_2011). These report(s) do not provide unequivocal conclusions about association of the variant with Familial Hypokalemia-Hypomagnesemia. To our knowledge, no experimental evidence demonstrating an impact on protein function has been reported. The following publication have been ascertained in the context of this evaluation (PMID: 21415153). Nine submitters have cited clinical-significance assessments for this variant to ClinVar after 2014. Multiple submitters reported the variant with conflicting assessments. Based on the evidence outlined above, the variant was classified as likely benign.

Mayo Clinic Laboratories, Mayo Clinic
Classification: Uncertain significance. Last evaluated: 2023-02-13. Review status: criteria provided, single submitter. Criteria: ACMG Guidelines, 2015. Collection method: clinical testing. Allele origin: germline. Observed: 8 variant alleles.
Comment: BP4, PM3

Ambry Genetics
Classification: Likely benign for Inborn genetic diseases. Last evaluated: 2022-10-13. Review status: criteria provided, single submitter. Criteria: Ambry Variant Classification Scheme 2023. Collection method: clinical testing. Allele origin: germline.

European Hospital Georges Pompidou Genetics Department, Assistance Publique - Hôpitaux de Paris AP-HP
Classification: Uncertain significance for Familial hypokalemia-hypomagnesemia. Last evaluated: 2022-04-27. Review status: criteria provided, single submitter. Criteria: ACMG Guidelines, 2015. Collection method: clinical testing. Allele origin: germline. Affected: yes.
Comment: ACMG criteria used:PM1 PM2 BS2, BP2

Genome-Nilou Lab
Classification: Uncertain significance for Familial hypokalemia-hypomagnesemia. Last evaluated: 2021-05-18. Review status: criteria provided, single submitter. Criteria: ACMG Guidelines, 2015. Collection method: clinical testing. Allele origin: germline. Affected: no.

Mendelics
Classification: Uncertain significance for Familial hypokalemia-hypomagnesemia. Last evaluated: 2019-05-28. Review status: criteria provided, single submitter. Criteria: Mendelics Assertion Criteria 2017. Collection method: clinical testing. Allele origin: unknown.

Illumina Laboratory Services, Illumina
Classification: Uncertain significance for Familial hypokalemia-hypomagnesemia. Last evaluated: 2017-04-27. Review status: criteria provided, single submitter. Criteria: ICSL Variant Classification Criteria 13 December 2019. Collection method: clinical testing. Allele origin: germline.
Comment: This variant was observed as part of a predisposition screen in an ostensibly healthy population. A literature search was performed for the gene, cDNA change, and amino acid change (where applicable). Publications were found based on this search. However, the evidence from the literature, in combination with allele frequency data from public databases where available, was not sufficient to rule this variant in or out of causing disease. Therefore, this variant is classified as a variant of unknown significance.

Eurofins Ntd Llc (ga)
Classification: Uncertain significance. Last evaluated: 2016-11-23. Review status: criteria provided, single submitter. Criteria: EGL Classification Definitions 2015. Collection method: clinical testing. Allele origin: germline. Observed: 1 variant allele, 1 heterozygote.

PreventionGenetics, part of Exact Sciences
Classification: Likely benign for SLC12A3-related condition. Last evaluated: 2024-03-14. Review status: no assertion criteria provided. Collection method: clinical testing. Allele origin: germline. Not counted in ClinVar's aggregate classification.
Comment: This variant is classified as likely benign based on ACMG/AMP sequence variant interpretation guidelines (Richards et al. 2015 PMID: 25741868, with internal and published modifications).

Natera, Inc.
Classification: Benign for Gitelman syndrome. Last evaluated: 2020-01-09. Review status: no assertion criteria provided. Collection method: clinical testing. Allele origin: germline. Not counted in ClinVar's aggregate classification.

Literature cited by the submitters: PubMed 21415153 (cited by 3 submitters); PubMed 33226606 (cited by Mayo Clinic Laboratories, Mayo Clinic); PubMed 33763274 (cited by Mayo Clinic Laboratories, Mayo Clinic).

NM_001126108.2(SLC12A3):c.965C>T (p.Ala322Val)

Gene: SLC12A3 (solute carrier family 12 member 3; plus strand). Cytogenetic location: 16q13.
Variant type: single nucleotide variant.
Coding change: c.965C>T on transcript NM_001126108.2 (MANE Select); coding-DNA position 965, C replaced by T.
Protein change: p.Ala322Val; replaces alanine 322 with valine.
Molecular consequence: missense variant.
Genome position (GRCh38, 1-based): chr16:56,872,656, C>T. VCF-style: chr16-56872656-C-T. GRCh37 (hg19) VCF-style: chr16-56906568-C-T.
Other names: p.Ala322Val; c.965C>T, p.Ala322Val (NM_000339.3); c.962C>T, p.Ala321Val (NM_001126107.2); short protein forms A322V, A321V.
Identifiers: ClinVar variation 498813 (VCV000498813.58), dbSNP rs142679083, ClinGen allele CA8069291.